The following is an entry in ClinVar:

NM_173354.5(SIK1):c.424G>A (p.Asp142Asn)

Gene: SIK1 (salt inducible kinase 1; minus strand). Cytogenetic location: 21q22.3.
Variant type: single nucleotide variant.
Coding change: c.424G>A on transcript NM_173354.5 (MANE Select); coding-DNA position 424, G replaced by A.
Protein change: p.Asp142Asn; replaces aspartic acid 142 with asparagine.
Molecular consequence: missense variant.
Genome position (GRCh38, 1-based): chr21:43,421,713, C>T on the plus strand (G>A on the coding strand, the complement: SIK1 is on the minus strand). VCF-style: chr21-43421713-C-T. GRCh37 (hg19) VCF-style: chr21-44841593-C-T.
Other names: short protein forms D142N.
Identifiers: ClinVar variation 864773 (VCV000864773.10), dbSNP rs45491503, ClinGen allele CA321328131.

ClinVar aggregate classification (germline): Uncertain significance (1 of 4 stars; one submission).

Conditions:
Developmental and epileptic encephalopathy, 30 (DEE30). Also called: Epileptic encephalopathy, early infantile, 30. Identifiers: MedGen C4225360, MONDO:0014595, OMIM 616341.

Allele frequency attached by ClinVar (database versions not stated): gnomAD exomes 0.00005; ExAC 0.00007.

Submission:

Labcorp Genetics (formerly Invitae), Labcorp
Classification: Uncertain significance for Developmental and epileptic encephalopathy, 30. Last evaluated: 2025-07-15. Review status: criteria provided, single submitter. Criteria: Invitae Variant Classification Sherloc (09022015). Collection method: clinical testing. Allele origin: germline.
Comment: This sequence change replaces aspartic acid, which is acidic and polar, with asparagine, which is neutral and polar, at codon 142 of the SIK1 protein (p.Asp142Asn). This variant is present in population databases (rs45491503, gnomAD 0.02%). This variant has not been reported in the literature in individuals affected with SIK1-related conditions. ClinVar contains an entry for this variant (Variation ID: 864773). Invitae Evidence Modeling of protein sequence and biophysical properties (such as structural, functional, and spatial information, amino acid conservation, physicochemical variation, residue mobility, and thermodynamic stability) indicates that this missense variant is not expected to disrupt SIK1 protein function with a negative predictive value of 95%. In summary, the available evidence is currently insufficient to determine the role of this variant in disease. Therefore, it has been classified as a Variant of Uncertain Significance.